The following is an entry in ClinVar:

ClinVar aggregate classification (germline): Likely benign. Review status: criteria provided, single submitter (1 of 4 stars). 2 submissions from 2 submitters: Likely benign (1). 1 of the submissions does not count toward it. Last evaluated 2025-01-22.

Conditions:
Fanconi anemia (FA). Also called: Fanconi's anemia. Identifiers: Orphanet 84, MedGen C0015625, MeSH D005199, MONDO:0019391.
Malignant tumor of breast. Also called: Malignant breast neoplasm; Cancer breast. Identifiers: MedGen C0006142, MONDO:0007254. Disease mechanism: loss of function.

Allele frequency attached by ClinVar (database versions not stated): TOPMed 0.00002; ExAC 0.00003; gnomAD exomes 0.00002; gnomAD 0.00001.
gnomAD v4.1: 23 of 1,613,636 alleles (0.0014%); highest among the groups gnomAD compares: African/African-American, 0.0027%; no homozygotes.

Submissions (2):

Labcorp Genetics (formerly Invitae), Labcorp
Classification: Likely benign for Fanconi anemia. Last evaluated: 2025-01-22. Review status: criteria provided, single submitter. Criteria: Invitae Variant Classification Sherloc (09022015). Collection method: clinical testing. Allele origin: germline.

Department of Pathology and Laboratory Medicine, Sinai Health System
Classification: Uncertain significance for Malignant tumor of breast. Review status: no assertion criteria provided. Collection method: clinical testing. Allele origin: unknown. Affected: yes. Observed: 1 variant allele. Study: The Canadian Open Genetics Repository (COGR). Not counted in ClinVar's aggregate classification.
Comment: The FANCC c.-12G>A variant was not identified in the literature nor was it identified in the ClinVar, or LOVD 3.0 databases. The variant was identified in dbSNP (ID: rs779454514). The variant was identified in control databases in 4 of 244304 chromosomes at a frequency of 0.00002 (Genome Aggregation Database Feb 27, 2017). The variant was observed in the following populations: European in 2 of 110328 chromosomes (freq: 0.00002), and South Asian in 2 of 30752 chromosomes (freq: 0.00007), while the variant was not observed in the African, Other, Latino, Ashkenazi Jewish, East Asian, or Finnish populations. The c.-12G>A variant is located in the 3' splice region but does not affect the invariant -1 and -2 positions. However, positions -3 and -5 to -12 are part of the splicing consensus sequence and variants involving these positions sometimes affect splicing. In addition, 1 of 4 in silico or computational prediction software programs (SpliceSiteFinder, MaxEntScan, NNSPLICE, GeneSplicer) predict a greater than 10% difference in splicing. In summary, based on the above information the clinical significance of this variant cannot be determined with certainty at this time. This variant is classified as a variant of uncertain significance.

NM_000136.3(FANCC):c.-12G>A

Gene: FANCC (FA complementation group C; minus strand). Cytogenetic location: 9q22.32.
Variant type: single nucleotide variant.
Coding change: c.-12G>A on transcript NM_000136.3 (MANE Select); 12 bases upstream of the start codon, G replaced by A.
Molecular consequence: 5 prime UTR variant.
Genome position (GRCh38, 1-based): chr9:95,249,303, C>T on the plus strand (G>A on the coding strand, the complement: FANCC is on the minus strand). VCF-style: chr9-95249303-C-T. GRCh37 (hg19) VCF-style: chr9-98011585-C-T.
Other names: c.-12G>A (NM_001243743.2, NM_001243744.2).
Identifiers: ClinVar variation 971322 (VCV000971322.12), dbSNP rs779454514, ClinGen allele CA5137854.